The following is an entry in ClinVar:

ClinVar aggregate classification (germline): Pathogenic. Review status: criteria provided, multiple submitters, no conflicts (2 of 4 stars). 2 submissions from 2 submitters: Pathogenic (2). Last evaluated 2025-04-28.

Conditions:
Imerslund-Grasbeck syndrome. Also called: Megaloblastic anemia due to inborn errors of metabolism; Imerslund-Gräsbeck syndrome; ENTEROCYTE COBALAMIN MALABSORPTION; ENTEROCYTE INTRINSIC FACTOR RECEPTOR, DEFECT OF; PERNICIOUS ANEMIA, JUVENILE, DUE TO SELECTIVE INTESTINAL MALABSORPTION OF VITAMIN B12, WITH PROTEINURIA. Identifiers: Orphanet 35858, MedGen C4551825, MONDO:0009853.

Submissions (2):

Labcorp Genetics (formerly Invitae), Labcorp
Classification: Pathogenic for Imerslund-Grasbeck syndrome. Last evaluated: 2025-04-28. Review status: criteria provided, single submitter. Criteria: Invitae Variant Classification Sherloc (09022015). Collection method: clinical testing. Allele origin: germline.
Comment: This sequence change creates a premature translational stop signal (p.Ser2652*) in the CUBN gene. It is expected to result in an absent or disrupted protein product. Loss-of-function variants in CUBN are known to be pathogenic (PMID: 15024727, 22929189, 25349199, 31613795, 34979989). This variant is not present in population databases (gnomAD no frequency). This variant has not been reported in the literature in individuals affected with CUBN-related conditions. ClinVar contains an entry for this variant (Variation ID: 522697). Algorithms developed to predict the effect of sequence changes on RNA splicing suggest that this variant may disrupt the consensus splice site. For these reasons, this variant has been classified as Pathogenic.

Genomic Research Center, Shahid Beheshti University of Medical Sciences
Classification: Pathogenic for Imerslund-Grasbeck syndrome type 1. Last evaluated: 2017-12-03. Review status: criteria provided, single submitter. Criteria: ACMG Guidelines, 2015. Collection method: clinical testing. Allele origin: inherited. Affected: yes.

Literature cited by the submitters: PubMed 15024727 (cited by Labcorp Genetics (formerly Invitae), Labcorp); PubMed 22929189 (cited by Labcorp Genetics (formerly Invitae), Labcorp); PubMed 25349199 (cited by Labcorp Genetics (formerly Invitae), Labcorp); PubMed 31613795 (cited by Labcorp Genetics (formerly Invitae), Labcorp); PubMed 34979989 (cited by Labcorp Genetics (formerly Invitae), Labcorp).

NM_001081.4(CUBN):c.7955C>A (p.Ser2652Ter)

Gene: CUBN (cubilin; minus strand). Cytogenetic location: 10p13.
Variant type: single nucleotide variant.
Coding change: c.7955C>A on transcript NM_001081.4 (MANE Select); coding-DNA position 7955, C replaced by A.
Protein change: p.Ser2652Ter; replaces serine 2652 with a stop codon.
Molecular consequence: nonsense.
Genome position (GRCh38, 1-based): chr10:16,904,073, G>T on the plus strand (C>A on the coding strand, the complement: CUBN is on the minus strand). VCF-style: chr10-16904073-G-T. GRCh37 (hg19) VCF-style: chr10-16946072-G-T.
Other names: short protein forms S2652*.
Identifiers: ClinVar variation 522697 (VCV000522697.7), dbSNP rs1554790861, ClinGen allele CA376142712.
Genomic context (GRCh38, chr10:16,904,073, plus strand): 5'-TTGGTGACAAAGTGAATCCATACCTGAGAATAAGGTATAACCAATGGCAATGTAGGCTTT[G>T]AAGGACCACAAAGTCTCCACATCAGGGGCCCATCAGCATCACCTGAACAAAATAATATAC-3'